The following is an entry in ClinVar:

ClinVar aggregate classification (germline): Likely benign. Review status: criteria provided, multiple submitters, no conflicts (2 of 4 stars). 2 submissions from 2 submitters: Likely benign (2). Last evaluated 2026-01-24.

Conditions:
ABCB11-related disorder. Also called: ABCB11-related condition.

Allele frequency attached by ClinVar (database versions not stated): ExAC 0.00001; gnomAD exomes 0.00001 and 0.00003; TOPMed 0.00003; gnomAD 0.00005.
gnomAD v4.1: 52 of 1,613,474 alleles (0.0032%); highest among the groups gnomAD compares: Non-Finnish European, 0.0041%; no homozygotes.

Submissions (2):

Labcorp Genetics (formerly Invitae), Labcorp
Classification: Likely benign. Last evaluated: 2026-01-24. Review status: criteria provided, single submitter. Criteria: Invitae Variant Classification Sherloc (09022015). Collection method: clinical testing. Allele origin: germline.

PreventionGenetics, part of Exact Sciences
Classification: Likely benign for ABCB11-related condition. Last evaluated: 2026-01-14. Review status: criteria provided, single submitter. Criteria: ACMG Guidelines, 2015. Collection method: clinical testing. Allele origin: germline.
Comment: This variant is classified as likely benign based on ACMG/AMP sequence variant interpretation guidelines (Richards et al. 2015 PMID: 25741868, with internal and published modifications).

NM_003742.4(ABCB11):c.3111C>T (p.Tyr1037=)

Gene: ABCB11 (ATP binding cassette subfamily B member 11; minus strand). Cytogenetic location: 2q31.1.
Variant type: single nucleotide variant.
Coding change: c.3111C>T on transcript NM_003742.4 (MANE Select); coding-DNA position 3111, C replaced by T.
Protein change: p.Tyr1037=; no amino-acid change (tyrosine 1037 retained).
Molecular consequence: synonymous variant.
Genome position (GRCh38, 1-based): chr2:168,932,479, G>A on the plus strand (C>T on the coding strand, the complement: ABCB11 is on the minus strand). VCF-style: chr2-168932479-G-A. GRCh37 (hg19) VCF-style: chr2-169788989-G-A.
Identifiers: ClinVar variation 754261 (VCV000754261.11), dbSNP rs767040540, ClinGen allele CA1951103.